The following is an entry in ClinVar:

ClinVar aggregate classification (germline): Likely pathogenic (1 of 4 stars; one submission).

Conditions:
Autosomal recessive nonsyndromic hearing loss 12. Also called: DEAFNESS, AUTOSOMAL RECESSIVE 12. Identifiers: Orphanet 90636, MedGen C1832394, MONDO:0011067, OMIM 601386.

Submission:

King Laboratory, University of Washington
Classification: Likely pathogenic for Autosomal recessive nonsyndromic hearing loss 12. Last evaluated: 2023-02-28. Review status: criteria provided, single submitter. Criteria: Li et al. (Genet Med. 2022). Collection method: research. Allele origin: unknown. Affected: yes.
Comment: This variant occurred in compound heterozygosity with a CDH23 splicing variant in a patient with bilateral sensorineural hearing loss of onset <18 years, in a study of pediatric hearing loss conducted by the King Laboratory (Carlson RJ et al. JAMA-OtoHNS 2023). This variant is a missense at a completely conserved site in a cadherin domain of the CDH23 protein and is predicted to be damaging by multiple in-silico tools. As of January 2023, this variant has not been reported to ClinVar and is not found on gnomAD. Based on compound heterozygosity with a loss-of-function variant, consistently predicted functional effect, and goodness of fit of genotype to phenotype, we conclude that this variant is likely pathogenic.

Literature cited by the submitters: PubMed 36633841.

NM_022124.6(CDH23):c.6965A>T (p.Asp2322Val)

Gene: CDH23 (cadherin related 23; plus strand). Cytogenetic location: 10q22.1.
Variant type: single nucleotide variant.
Coding change: c.6965A>T on transcript NM_022124.6 (MANE Select); coding-DNA position 6965, A replaced by T.
Protein change: p.Asp2322Val; replaces aspartic acid 2322 with valine.
Molecular consequence: missense variant.
Genome position (GRCh38, 1-based): chr10:71,798,489, A>T. VCF-style: chr10-71798489-A-T. GRCh37 (hg19) VCF-style: chr10-73558246-A-T.
Other names: c.245A>T, p.Asp82Val (NM_001171933.1, NM_001171934.1); short protein forms D82V, D2322V.
Identifiers: ClinVar variation 2445640 (VCV002445640.1), dbSNP rs1224073597, ClinGen allele CA377158076.